The following is an entry in ClinVar:

ClinVar aggregate classification (germline): Uncertain significance (1 of 4 stars; one submission).

Submission:

Labcorp Genetics (formerly Invitae), Labcorp
Classification: Uncertain significance. Last evaluated: 2024-03-20. Review status: criteria provided, single submitter. Criteria: Invitae Variant Classification Sherloc (09022015). Collection method: clinical testing. Allele origin: germline.
Comment: This sequence change replaces glutamic acid, which is acidic and polar, with valine, which is neutral and non-polar, at codon 236 of the GLIS3 protein (p.Glu236Val). This variant is not present in population databases (gnomAD no frequency). This variant has not been reported in the literature in individuals affected with GLIS3-related conditions. An algorithm developed to predict the effect of missense changes on protein structure and function (PolyPhen-2) suggests that this variant is likely to be disruptive. In summary, the available evidence is currently insufficient to determine the role of this variant in disease. Therefore, it has been classified as a Variant of Uncertain Significance.

NM_001042413.2(GLIS3):c.1172A>T (p.Glu391Val)

Gene: GLIS3 (GLIS family zinc finger 3; minus strand). Cytogenetic location: 9p24.2.
Variant type: single nucleotide variant.
Coding change: c.1172A>T on transcript NM_001042413.2 (MANE Select); coding-DNA position 1172, A replaced by T.
Protein change: p.Glu391Val; replaces glutamic acid 391 with valine.
Molecular consequence: missense variant.
Genome position (GRCh38, 1-based): chr9:4,118,306, T>A on the plus strand (A>T on the coding strand, the complement: GLIS3 is on the minus strand). VCF-style: chr9-4118306-T-A. GRCh37 (hg19) VCF-style: chr9-4118306-T-A.
Other names: c.707A>T, p.Glu236Val (NM_152629.4); short protein forms E236V, E391V.
Identifiers: ClinVar variation 3694325 (VCV003694325.2).